The following is an entry in ClinVar:

ClinVar aggregate classification (germline): Uncertain significance (1 of 4 stars; one submission).

Submission:

Labcorp Genetics (formerly Invitae), Labcorp
Classification: Uncertain significance. Last evaluated: 2025-03-31. Review status: criteria provided, single submitter. Criteria: Invitae Variant Classification Sherloc (09022015). Collection method: clinical testing. Allele origin: germline.
Comment: This sequence change replaces methionine, which is neutral and non-polar, with leucine, which is neutral and non-polar, at codon 3114 of the HMCN1 protein (p.Met3114Leu). This variant is not present in population databases (gnomAD no frequency). This variant has not been reported in the literature in individuals affected with HMCN1-related conditions. ClinVar contains an entry for this variant (Variation ID: 1993152). An algorithm developed to predict the effect of missense changes on protein structure and function (PolyPhen-2) suggests that this variant is likely to be tolerated. In summary, the available evidence is currently insufficient to determine the role of this variant in disease. Therefore, it has been classified as a Variant of Uncertain Significance.

NM_031935.3(HMCN1):c.9340A>T (p.Met3114Leu)

Gene: HMCN1 (hemicentin 1; plus strand). Cytogenetic location: 1q31.1.
Variant type: single nucleotide variant.
Coding change: c.9340A>T on transcript NM_031935.3 (MANE Select); coding-DNA position 9340, A replaced by T.
Protein change: p.Met3114Leu; replaces methionine 3114 with leucine.
Molecular consequence: missense variant.
Genome position (GRCh38, 1-based): chr1:186,087,622, A>T. VCF-style: chr1-186087622-A-T. GRCh37 (hg19) VCF-style: chr1-186056754-A-T.
Other names: short protein forms M3114L.
Identifiers: ClinVar variation 1993152 (VCV001993152.4), dbSNP rs2527895056, ClinGen allele CA343920346.
Genomic context (GRCh38, chr1:186,087,622, plus strand): 5'-TATAAGAATGGGCGGATGATAACAGAGTCTACTCATGTGGAGATTTTAGCTGATGGACAA[A>T]TGCTACACATTAAGAAAGCTGAGGTGCATCTTTTATTCTTGTTTGAGTGTCATGACACCT-3'
Protein context (NP_114141.2, residues 3104-3124): THVEILADGQ[Met3114Leu]LHIKKAEVSD